The following is an entry in ClinVar:

NM_000092.5(COL4A4):c.1370-5G>T

Gene: COL4A4 (collagen type IV alpha 4 chain; minus strand). Cytogenetic location: 2q36.3.
Variant type: single nucleotide variant.
Coding change: c.1370-5G>T on transcript NM_000092.5 (MANE Select); 5 bases into the intron before coding-DNA position 1370, G replaced by T.
Molecular consequence: intron variant.
Genome position (GRCh38, 1-based): chr2:227,089,962, C>A on the plus strand (G>T on the coding strand, the complement: COL4A4 is on the minus strand). VCF-style: chr2-227089962-C-A. GRCh37 (hg19) VCF-style: chr2-227954678-C-A.
Identifiers: ClinVar variation 754783 (VCV000754783.29), dbSNP rs752509706, ClinGen allele CA2145183.

ClinVar aggregate classification (germline): Conflicting classifications of pathogenicity. Review status: criteria provided, conflicting classifications (1 of 4 stars). 5 submissions from 5 submitters: Uncertain significance (3); Likely benign (1). 1 of the submissions does not count toward it. Last evaluated 2025-12-19.

Conditions:
Autosomal recessive Alport syndrome (ATS2). Also called: COL4A4 Alport Syndrome and Thin Basement Membrane Nephropathy; ALPORT SYNDROME 2, AUTOSOMAL RECESSIVE; COL4A3-Related Nephropathy; Alport syndrome type 2. Identifiers: Orphanet 63, Orphanet 88919, MedGen C4746745, MONDO:0008762, OMIM 203780.
Hematuria, benign familial, 1 (BFH1). Also called: THIN MEMBRANE NEPHROPATHY. Identifiers: MedGen CN376803, MONDO:0007709, OMIM 141200.
COL4A4-related disorder.

Allele frequency attached by ClinVar (database versions not stated): gnomAD exomes below 0.00001 and 0.00001; gnomAD 0.00001; ExAC 0.00002; TOPMed 0.00003.

Submissions (5):

Labcorp Genetics (formerly Invitae), Labcorp
Classification: Likely benign. Last evaluated: 2025-12-19. Review status: criteria provided, single submitter. Criteria: Invitae Variant Classification Sherloc (09022015). Collection method: clinical testing. Allele origin: germline.

3billion
Classification: Uncertain significance for Autosomal recessive Alport syndrome. Last evaluated: 2025-02-10. Review status: criteria provided, single submitter. Criteria: ACMG Guidelines, 2015. Collection method: clinical testing. Allele origin: germline. Affected: yes.
Comment: The variant is observed at an extremely low frequency in the gnomAD v4.1.0 dataset (total allele frequency: <0.001%). Predicted Consequence/Location: Missense variant In silico tool predictions suggest damaging effect of the variant on gene or gene product [REVEL: 0.85 (>=0.6, sensitivity 0.68 and specificity 0.92); 3Cnet: 0.94 (>=0.6, sensitivity 0.72 and precision 0.9)]. The same nucleotide change resulting in the same amino acid change has been previously reported as pathogenic/likely pathogenic with strong evidence (ClinVar ID: VCV000447180 /PMID: 26809805). Therefore, this variant is classified as Likely pathogenic according to the recommendation of ACMG/AMP guideline.

CeGaT Center for Human Genetics Tuebingen
Classification: Uncertain significance. Last evaluated: 2024-07-01. Review status: criteria provided, single submitter. Criteria: CeGaT Center For Human Genetics Tuebingen Variant Classification Criteria Version 2. Collection method: clinical testing. Allele origin: germline. Affected: yes. Observed: 1 variant allele.
Comment: COL4A4: PM2, BP4

Fulgent Genetics
Classification: Uncertain significance for Hematuria, benign familial, 1; Autosomal recessive Alport syndrome. Last evaluated: 2024-05-10. Review status: criteria provided, single submitter. Criteria: ACMG Guidelines, 2015. Collection method: clinical testing. Allele origin: germline.

PreventionGenetics, part of Exact Sciences
Classification: Likely benign for COL4A4-related condition. Last evaluated: 2021-11-12. Review status: no assertion criteria provided. Collection method: clinical testing. Allele origin: germline. Not counted in ClinVar's aggregate classification.
Comment: This variant is classified as likely benign based on ACMG/AMP sequence variant interpretation guidelines (Richards et al. 2015 PMID: 25741868, with internal and published modifications).